The following is an entry in ClinVar:

NM_000179.3(MSH6):c.1914T>G (p.Leu638=)

Gene: MSH6 (mutS homolog 6; plus strand). Cytogenetic location: 2p16.3.
Variant type: single nucleotide variant.
Coding change: c.1914T>G on transcript NM_000179.3 (MANE Select); coding-DNA position 1914, T replaced by G.
Protein change: p.Leu638=; no amino-acid change (leucine 638 retained).
Molecular consequence: synonymous variant.
Genome position (GRCh38, 1-based): chr2:47,799,897, T>G. VCF-style: chr2-47799897-T-G. GRCh37 (hg19) VCF-style: chr2-48027036-T-G.
Other names: c.1524T>G, p.Leu508= (NM_001281492.2); c.1008T>G, p.Leu336= (NM_001281493.2, NM_001281494.2).
Identifiers: ClinVar variation 416144 (VCV000416144.16), dbSNP rs766310490, ClinGen allele CA16611141.

ClinVar aggregate classification (germline): Benign/Likely benign. Review status: criteria provided, multiple submitters, no conflicts (2 of 4 stars). 3 submissions from 3 submitters: Benign (1); Likely benign (2). Last evaluated 2024-12-30.

Conditions:
Hereditary nonpolyposis colorectal neoplasms. Identifiers: MedGen C0009405, MeSH D003123.
Lynch syndrome 5 (LYNCH5). Also called: Hereditary non-polyposis colorectal cancer, type 5; Colorectal cancer, hereditary nonpolyposis, type 5. Identifiers: Orphanet 144, MedGen C1833477, MONDO:0013710, OMIM 614350. Disease mechanism: loss of function.

Submissions (3):

Myriad Genetics, Inc.
Classification: Benign for Lynch syndrome 5. Last evaluated: 2024-12-30. Review status: criteria provided, single submitter. Criteria: Myriad Autosomal Dominant, Autosomal Recessive and X-Linked Classification Criteria (2023). Collection method: clinical testing. Allele origin: unknown.
Comment: This variant is considered benign. This variant is a silent/synonymous amino acid change and it is not expected to impact splicing.

Genetic Services Laboratory, University of Chicago
Classification: Likely benign. Last evaluated: 2018-05-17. Review status: criteria provided, single submitter. Criteria: ACMG Guidelines, 2015. Collection method: clinical testing. Allele origin: germline. Affected: no.

Labcorp Genetics (formerly Invitae), Labcorp
Classification: Likely benign for Hereditary nonpolyposis colorectal neoplasms. Last evaluated: 2016-12-28. Review status: criteria provided, single submitter. Criteria: Invitae Variant Classification Sherloc (09022015). Collection method: clinical testing. Allele origin: germline.